The following is an entry in ClinVar:

NM_000257.4(MYH7):c.3170del (p.Gly1057fs)

Gene: MYH7 (myosin heavy chain 7; minus strand). Cytogenetic location: 14q11.2.
Variant type: Deletion.
Coding change: c.3170del on transcript NM_000257.4 (MANE Select); coding-DNA position 3170, one base deleted (G; older notation c.3170delG).
Protein change: p.Gly1057fs; shifts the reading frame from glycine 1057.
Molecular consequence: frameshift variant.
Genome position (GRCh38, 1-based): chr14:23,422,255, C deleted on the plus strand (G on the coding strand, the reverse complement: MYH7 is on the minus strand); the first of 3 consecutive C bases (chr14:23,422,255-23,422,257); deleting any one gives the same sequence. VCF-style (leftmost placement, unchanged base first): chr14-23422254-GC-G. GRCh37 (hg19) VCF-style: chr14-23891463-GC-G.
Other names: c.3170del, p.Gly1057fs (NM_001407004.1); short protein forms G1057fs.
Identifiers: ClinVar variation 2743838 (VCV002743838.3), dbSNP rs2502272546, ClinGen allele CA2697553842.

ClinVar aggregate classification (germline): Uncertain significance (1 of 4 stars; one submission).

Conditions:
Hypertrophic cardiomyopathy. Also called: HYPERTROPHIC MYOCARDIOPATHY. Identifiers: Orphanet 217569, MedGen C0007194, MeSH D002312, MONDO:0005045, HP:0001639.

Submission:

Labcorp Genetics (formerly Invitae), Labcorp
Classification: Uncertain significance for Hypertrophic cardiomyopathy. Last evaluated: 2023-10-18. Review status: criteria provided, single submitter. Criteria: Invitae Variant Classification Sherloc (09022015). Collection method: clinical testing. Allele origin: germline.
Comment: This sequence change creates a premature translational stop signal (p.Gly1057Alafs*3) in the MYH7 gene. It is expected to result in an absent or disrupted protein product. However, the current clinical and genetic evidence is not sufficient to establish whether loss-of-function variants in MYH7 cause disease. This variant is not present in population databases (gnomAD no frequency). This variant has not been reported in the literature in individuals affected with MYH7-related conditions. In summary, the available evidence is currently insufficient to determine the role of this variant in disease. Therefore, it has been classified as a Variant of Uncertain Significance.